The following is an entry in ClinVar:

ClinVar aggregate classification (germline): Uncertain significance. Review status: criteria provided, multiple submitters, no conflicts (2 of 4 stars). 2 submissions from 2 submitters: Uncertain significance (2). Last evaluated 2025-09-27.

Conditions:
Inborn genetic diseases. Identifiers: MedGen C0950123, MeSH D030342.

gnomAD v4.1: 2 of 1,614,186 alleles (0.00012%); highest among the groups gnomAD compares: East Asian, 0.0045%; no homozygotes.

Submissions (2):

Labcorp Genetics (formerly Invitae), Labcorp
Classification: Uncertain significance. Last evaluated: 2025-09-27. Review status: criteria provided, single submitter. Criteria: Invitae Variant Classification Sherloc (09022015). Collection method: clinical testing. Allele origin: germline.
Comment: This sequence change replaces lysine, which is basic and polar, with arginine, which is basic and polar, at codon 433 of the MBD4 protein (p.Lys433Arg). This variant is not present in population databases (gnomAD no frequency). This variant has not been reported in the literature in individuals affected with MBD4-related conditions. ClinVar contains an entry for this variant (Variation ID: 4052176). An algorithm developed to predict the effect of missense changes on protein structure and function (PolyPhen-2) suggests that this variant is likely to be disruptive. In summary, the available evidence is currently insufficient to determine the role of this variant in disease. Therefore, it has been classified as a Variant of Uncertain Significance.

Ambry Genetics
Classification: Uncertain significance for Inborn genetic diseases. Last evaluated: 2025-03-28. Review status: criteria provided, single submitter. Criteria: Ambry Variant Classification Scheme 2023. Collection method: clinical testing. Allele origin: germline.
Comment: The p.K427R variant (also known as c.1280A>G), located in coding exon 5 of the MBD4 gene, results from an A to G substitution at nucleotide position 1280. The lysine at codon 427 is replaced by arginine, an amino acid with highly similar properties. This amino acid position is conserved. In addition, the in silico prediction for this alteration is inconclusive. Based on the available evidence, the clinical significance of this variant remains unclear.

NM_001276270.2(MBD4):c.1280A>G (p.Lys427Arg)

Gene: MBD4 (methyl-CpG binding domain 4, DNA glycosylase; minus strand). Cytogenetic location: 3q21.3.
Variant type: single nucleotide variant.
Coding change: c.1280A>G on transcript NM_001276270.2 (MANE Select); coding-DNA position 1280, A replaced by G.
Protein change: p.Lys427Arg; replaces lysine 427 with arginine.
Molecular consequence: missense variant.
Genome position (GRCh38, 1-based): chr3:129,433,963, T>C on the plus strand (A>G on the coding strand, the complement: MBD4 is on the minus strand). VCF-style: chr3-129433963-T-C. GRCh37 (hg19) VCF-style: chr3-129152806-T-C.
Other names: c.1298A>G, p.Lys433Arg (NM_001276271.2, NM_001276272.2, NM_003925.3); c.344A>G, p.Lys115Arg (NM_001276273.2); short protein forms K115R, K433R, K427R.
Identifiers: ClinVar variation 4052176 (VCV004052176.2).